The following is an entry in ClinVar:

NM_006767.4(LZTR1):c.671del (p.Ile224fs)

Gene: LZTR1 (leucine zipper like post translational regulator 1; plus strand). Cytogenetic location: 22q11.21.
Variant type: Deletion.
Coding change: c.671del on transcript NM_006767.4 (MANE Select); coding-DNA position 671, one base deleted (T; older notation c.671delT).
Protein change: p.Ile224fs; shifts the reading frame from isoleucine 224.
Molecular consequence: frameshift variant.
Genome position (GRCh38, 1-based): chr22:20,990,405, T deleted. VCF-style (leftmost placement, unchanged base first): chr22-20990404-AT-A. GRCh37 (hg19) VCF-style: chr22-21344693-AT-A.
Other names: short protein forms I224fs.
Identifiers: ClinVar variation 3238320 (VCV003238320.1), dbSNP rs2518615671.

ClinVar aggregate classification (germline): Pathogenic (1 of 4 stars; one submission).

Conditions:
Hereditary cancer-predisposing syndrome. Also called: Neoplastic Syndromes, Hereditary; Tumor predisposition; Hereditary neoplastic syndrome; Hereditary Cancer Syndrome. Identifiers: Orphanet 140162, MedGen C0027672, MeSH D009386, MONDO:0015356.
Cardiovascular phenotype. Identifiers: MedGen CN230736.

Allele frequency attached by ClinVar (database versions not stated): gnomAD exomes below 0.00001.

Submission:

Ambry Genetics
Classification: Pathogenic for Cardiovascular phenotype; Hereditary cancer-predisposing syndrome. Last evaluated: 2023-12-13. Review status: criteria provided, single submitter. Criteria: Ambry Variant Classification Scheme 2023. Collection method: clinical testing. Allele origin: germline.
Comment: The c.671delT pathogenic mutation, located in coding exon 8 of the LZTR1 gene, results from a deletion of one nucleotide at nucleotide position 671, causing a translational frameshift with a predicted alternate stop codon (p.I224Tfs*28). This variant is considered to be rare based on population cohorts in the Genome Aggregation Database (gnomAD). Loss-of-function variants in LZTR1 are related to an increased risk for schwannomas and autosomal recessive Noonan syndrome; however, such associations with autosomal dominant Noonan syndrome have not been observed (Piotrowski A et al. Nat Genet. 2014 Feb;46:182-7; Yamamoto GL et al. J Med Genet. 2015 Jun;52:413-21; Johnston JJ et al. Genet Med. 2018 10;20:1175-1185). This alteration is expected to result in loss of function by premature protein truncation or nonsense-mediated mRNA decay. Based on the supporting evidence, this variant is pathogenic for an increased risk of LZTR1-related schwannomatosis (SWN) and would be expected to cause autosomal recessive Noonan syndrome when present along with a second pathogenic or likely pathogenic variant on the other allele; however, the association of this alteration with autosomal dominant Noonan syndrome is unlikely.